The following is an entry in ClinVar:

ClinVar aggregate classification (germline): Likely benign. Review status: criteria provided, multiple submitters, no conflicts (2 of 4 stars). 4 submissions from 4 submitters: Likely benign (3). 1 of the submissions does not count toward it. Last evaluated 2026-02-01.

Conditions:
X-linked Emery-Dreifuss muscular dystrophy. Also called: Muscular dystrophy, tardive Emery-Dreifuss type, with contractures. Identifiers: Orphanet 261, Orphanet 98863, MedGen C0751337, MONDO:0010680.
Emery-Dreifuss muscular dystrophy (EDMD). Also called: Scapuloperoneal syndrome, X-linked (formerly); Humeroperoneal neuromuscular disease, (formerly). Identifiers: Orphanet 261, MedGen C0410189, MONDO:0016830.
Cardiovascular phenotype. Identifiers: MedGen CN230736.

Allele frequency attached by ClinVar (database versions not stated): gnomAD 0.00001; TOPMed 0.00001.
gnomAD v4.1: 9 of 1,209,706 alleles (0.00074%); highest among the groups gnomAD compares: East Asian, 0.003%; no homozygotes.

Submissions (4):

Labcorp Genetics (formerly Invitae), Labcorp
Classification: Likely benign for X-linked Emery-Dreifuss muscular dystrophy. Last evaluated: 2026-02-01. Review status: criteria provided, single submitter. Criteria: Invitae Variant Classification Sherloc (09022015). Collection method: clinical testing. Allele origin: germline.

Molecular Diagnostic Laboratory for Inherited Cardiovascular Disease, Montreal Heart Institute
Classification: Likely benign. Last evaluated: 2025-04-09. Review status: criteria provided, single submitter. Criteria: ACMG Guidelines, 2015. Collection method: clinical testing. Allele origin: germline. Affected: no.
Comment: BP6;BP7

Ambry Genetics
Classification: Likely benign for Cardiovascular phenotype. Last evaluated: 2022-04-21. Review status: criteria provided, single submitter. Criteria: Ambry Variant Classification Scheme 2023. Collection method: clinical testing. Allele origin: germline.

Natera, Inc.
Classification: Likely benign for Emery-Dreifuss muscular dystrophy. Last evaluated: 2020-09-16. Review status: no assertion criteria provided. Collection method: clinical testing. Allele origin: germline. Not counted in ClinVar's aggregate classification.

NM_000117.3(EMD):c.582A>C (p.Ser194=)

Gene: EMD (emerin; plus strand). Cytogenetic location: Xq28.
Variant type: single nucleotide variant.
Coding change: c.582A>C on transcript NM_000117.3 (MANE Select); coding-DNA position 582, A replaced by C.
Protein change: p.Ser194=; no amino-acid change (serine 194 retained).
Molecular consequence: synonymous variant.
Genome position (GRCh38, 1-based): chrX:154,381,014, A>C. VCF-style: chrX-154381014-A-C. GRCh37 (hg19) VCF-style: chrX-153609374-A-C.
Identifiers: ClinVar variation 792716 (VCV000792716.15), dbSNP rs781933286, ClinGen allele CA10561640.